The following is an entry in ClinVar:

ClinVar aggregate classification (germline): Uncertain significance (1 of 4 stars; one submission).

Conditions:
Arrhythmogenic cardiomyopathy with wooly hair and keratoderma. Also called: Carvajal syndrome; PALMOPLANTAR KERATODERMA WITH LEFT VENTRICULAR CARDIOMYOPATHY AND WOOLLY HAIR; Dilated cardiomyopathy with woolly hair and keratoderma; Arrhythmogenic cardiomyopathy with woolly hair and keratoderma. Identifiers: Orphanet 65282, MedGen C1854063, MONDO:0011581, OMIM 605676.

Submission:

All of Us Research Program, National Institutes of Health
Classification: Uncertain significance for Arrhythmogenic cardiomyopathy with wooly hair and keratoderma. Last evaluated: 2024-05-14. Review status: criteria provided, single submitter. Criteria: ACMG Guidelines, 2015. Collection method: clinical testing. Allele origin: germline. Inheritance: Autosomal dominant inheritance. Observed: 1 variant allele, 1 heterozygote.
Comment: This missense variant replaces methionine with valine at codon 1601 of the DSP protein. Computational prediction suggests that this variant may not impact protein structure and function (internally defined REVEL score threshold <= 0.5, PMID: 27666373). To our knowledge, functional studies have not been reported for this variant. This variant has not been reported in individuals affected with DSP-related disorders in the literature. This variant has been identified in 1/249690 chromosomes in the general population by the Genome Aggregation Database (gnomAD). The available evidence is insufficient to determine the role of this variant in disease conclusively. Therefore, this variant is classified as a Variant of Uncertain Significance.

This study involves interpretation of variants in research participants for the purpose of population health screening. Participant phenotype was not available at the time of variant classification. Additional details can be found in publication PMID: 35346344, PMCID: PMC8962531

NM_004415.4(DSP):c.4801A>G (p.Met1601Val)

Gene: DSP (desmoplakin; plus strand). Cytogenetic location: 6p24.3.
Variant type: single nucleotide variant.
Coding change: c.4801A>G on transcript NM_004415.4 (MANE Select); coding-DNA position 4801, A replaced by G.
Protein change: p.Met1601Val; replaces methionine 1601 with valine.
Molecular consequence: missense variant. On other transcripts: intron variant (2).
Genome position (GRCh38, 1-based): chr6:7,580,991, A>G. VCF-style: chr6-7580991-A-G. GRCh37 (hg19) VCF-style: chr6-7581224-A-G.
Other names: c.4050+751A>G (NM_001319034.2); c.3582+1219A>G (NM_001008844.3); short protein forms M1601V.
Identifiers: ClinVar variation 3386683 (VCV003386683.1).
Genomic context (GRCh38, chr6:7,580,991, plus strand): 5'-AAGAGGACCGCGTCAGAAGACTCCTGCAAGAGGAAGAAGCTGGAGGAAGAGCTGGAAGGC[A>G]TGAGGAGGTCGCTGAAGGAGCAAGCCATCAAAATCACCAACCTGACCCAGCAGCTGGAGC-3'
Protein context (NP_004406.2, residues 1591-1611): RKKLEEELEG[Met1601Val]RRSLKEQAIK